The following is an entry in ClinVar:

ClinVar aggregate classification (germline): Uncertain significance (1 of 4 stars; one submission).

gnomAD v4.1: 8 of 1,614,198 alleles (0.0005%); highest among the groups gnomAD compares: Non-Finnish European, 0.00068%; no homozygotes.

Submission:

GeneDx
Classification: Uncertain significance. Last evaluated: 2024-03-22. Review status: criteria provided, single submitter. Criteria: GeneDx Variant Classification Process June 2021. Collection method: clinical testing. Allele origin: germline. Affected: yes.
Comment: Has not been previously published as pathogenic or benign to our knowledge; Not observed at significant frequency in large population cohorts (gnomAD); In silico analysis supports that this missense variant does not alter protein structure/function

NM_002471.4(MYH6):c.4786G>T (p.Val1596Leu)

Genes: MYH6 (myosin heavy chain 6; minus strand), LOC126861896 (BRD4-independent group 4 enhancer GRCh37_chr14:23854904-23856103; plus strand). Cytogenetic location: 14q11.2.
Variant type: single nucleotide variant.
Coding change: c.4786G>T on transcript NM_002471.4 (MANE Select); coding-DNA position 4786, G replaced by T.
Protein change: p.Val1596Leu; replaces valine 1596 with leucine.
Molecular consequence: missense variant.
Genome position (GRCh38, 1-based): chr14:23,386,488, C>A on the plus strand (G>T on the coding strand, the complement: MYH6 is on the minus strand). VCF-style: chr14-23386488-C-A. GRCh37 (hg19) VCF-style: chr14-23855697-C-A.
Other names: short protein forms V1596L.
Identifiers: ClinVar variation 3370779 (VCV003370779.1).